The following is an entry in ClinVar:

ClinVar aggregate classification (germline): Uncertain significance (1 of 4 stars; one submission).

Conditions:
Microcephaly, normal intelligence and immunodeficiency (NBS). Also called: BERLIN BREAKAGE SYNDROME; Immunodeficiency, microcephaly with normal intelligence; SEEMANOVA SYNDROME II; Ataxia telangiectasia variant V1; Nijmegen breakage syndrome; IMMUNODEFICIENCY, MICROCEPHALY, AND CHROMOSOMAL INSTABILITY. Identifiers: Orphanet 647, MedGen C0398791, MONDO:0009623, OMIM 251260.

Submission:

Labcorp Genetics (formerly Invitae), Labcorp
Classification: Uncertain significance for Microcephaly, normal intelligence and immunodeficiency. Last evaluated: 2018-10-22. Review status: criteria provided, single submitter. Criteria: Invitae Variant Classification Sherloc (09022015). Collection method: clinical testing. Allele origin: germline.
Comment: This variant is not present in population databases (ExAC no frequency). This sequence change replaces glutamic acid with alanine at codon 543 of the NBN protein (p.Glu543Ala). The glutamic acid residue is moderately conserved and there is a moderate physicochemical difference between glutamic acid and alanine. This variant has not been reported in the literature in individuals with NBN-related disease. In summary, the available evidence is currently insufficient to determine the role of this variant in disease. Therefore, it has been classified as a Variant of Uncertain Significance. Algorithms developed to predict the effect of missense changes on protein structure and function (SIFT, PolyPhen-2, Align-GVGD) all suggest that this variant is likely to be tolerated, but these predictions have not been confirmed by published functional studies and their clinical significance is uncertain.

NM_002485.5(NBN):c.1628A>C (p.Glu543Ala)

Gene: NBN (nibrin; minus strand). Cytogenetic location: 8q21.3.
Variant type: single nucleotide variant.
Coding change: c.1628A>C on transcript NM_002485.5 (MANE Select); coding-DNA position 1628, A replaced by C.
Protein change: p.Glu543Ala; replaces glutamic acid 543 with alanine.
Molecular consequence: missense variant.
Genome position (GRCh38, 1-based): chr8:89,953,461, T>G on the plus strand (A>C on the coding strand, the complement: NBN is on the minus strand). VCF-style: chr8-89953461-T-G. GRCh37 (hg19) VCF-style: chr8-90965689-T-G.
Other names: c.1382A>C, p.Glu461Ala (NM_001024688.3); short protein forms E461A, E543A.
Identifiers: ClinVar variation 657844 (VCV000657844.8), dbSNP rs587781624, ClinGen allele CA371655450.
Genomic context (GRCh38, chr8:89,953,461, plus strand): 5'-AATACTTCATCTTCTATGGCCACATCATCCATTTCCCTTTTTTTATTTGATCTTAGCTTT[T>G]CTGCAGCATGAGATTTACTGGCAGAATTTTTCACAATAGATTTTAAATCTGTATCTGTAA-3'
Protein context (NP_002476.2, residues 533-553): KNSASKSHAA[Glu543Ala]KLRSNKKREM